The following is an entry in ClinVar:

NM_001388492.1(HTT):c.6991A>G (p.Arg2331Gly)

Gene: HTT (huntingtin; plus strand). Cytogenetic location: 4p16.3.
Variant type: single nucleotide variant.
Coding change: c.6991A>G on transcript NM_001388492.1 (MANE Select); coding-DNA position 6991, A replaced by G.
Protein change: p.Arg2331Gly; replaces arginine 2331 with glycine.
Molecular consequence: missense variant.
Genome position (GRCh38, 1-based): chr4:3,215,148, A>G. VCF-style: chr4-3215148-A-G. GRCh37 (hg19) VCF-style: chr4-3216875-A-G.
Other names: c.6997A>G, p.Arg2333Gly (NM_002111.8); short protein forms R2331G, R2333G.
Identifiers: ClinVar variation 1416979 (VCV001416979.6), dbSNP rs1395807606, ClinGen allele CA356094173.
Genomic context (GRCh38, chr4:3,215,148, plus strand): 5'-CTTTGTTCTGTTGTAATTTTAGTTGCAGTGCAGCCTGGAGAGCAGCTTCTTAGTCCAGAA[A>G]GAAGGACAAATACCCCAAAAGCCATCAGCGAGGAGGAGGAGGAAGTAGATCCAAACACAC-3'
Protein context (NP_001375421.1, residues 2321-2341): QPGEQLLSPE[Arg2331Gly]RTNTPKAISE

ClinVar aggregate classification (germline): Uncertain significance (1 of 4 stars; one submission).

Allele frequency attached by ClinVar (database versions not stated): gnomAD exomes below 0.00001.
gnomAD v4.1: 2 of 1,614,208 alleles (0.00012%); highest among the groups gnomAD compares: Middle Eastern, 0.016%; no homozygotes.

Submission:

Labcorp Genetics (formerly Invitae), Labcorp
Classification: Uncertain significance. Last evaluated: 2022-02-03. Review status: criteria provided, single submitter. Criteria: Invitae Variant Classification Sherloc (09022015). Collection method: clinical testing. Allele origin: germline.
Comment: In summary, the available evidence is currently insufficient to determine the role of this variant in disease. Therefore, it has been classified as a Variant of Uncertain Significance. Experimental studies and prediction algorithms are not available or were not evaluated, and the functional significance of this variant is currently unknown. This variant has not been reported in the literature in individuals affected with HTT-related conditions. This variant is present in population databases (no rsID available, gnomAD 0.0009%). This sequence change replaces arginine, which is basic and polar, with glycine, which is neutral and non-polar, at codon 2333 of the HTT protein (p.Arg2333Gly).